The following is an entry in ClinVar:

NM_145064.3(STAC3):c.941C>T (p.Thr314Met)

Gene: STAC3 (SH3 and cysteine rich domain 3; minus strand). Cytogenetic location: 12q13.3.
Variant type: single nucleotide variant.
Coding change: c.941C>T on transcript NM_145064.3 (MANE Select); coding-DNA position 941, C replaced by T.
Protein change: p.Thr314Met; replaces threonine 314 with methionine.
Molecular consequence: missense variant. On other transcripts: non-coding transcript variant (1).
Genome position (GRCh38, 1-based): chr12:57,244,143, G>A on the plus strand (C>T on the coding strand, the complement: STAC3 is on the minus strand). VCF-style: chr12-57244143-G-A. GRCh37 (hg19) VCF-style: chr12-57637926-G-A.
Other names: c.824C>T, p.Thr275Met (NM_001286256.2); c.383C>T, p.Thr128Met (NM_001286257.2); short protein forms T128M, T275M, T314M.
Identifiers: ClinVar variation 661534 (VCV000661534.7), dbSNP rs146430404, ClinGen allele CA6646950.

ClinVar aggregate classification (germline): Uncertain significance. Review status: criteria provided, multiple submitters, no conflicts (2 of 4 stars). 2 submissions from 2 submitters: Uncertain significance (2). Last evaluated 2024-02-15.

Conditions:
Bailey-Bloch congenital myopathy (CMYO13). Also called: Congenital myopathy 13; STAC3 disorder; Native American myopathy. Identifiers: Orphanet 168572, MedGen C1850625, MONDO:0009722, OMIM 255995.

Allele frequency attached by ClinVar (database versions not stated): TOPMed 0.00003; gnomAD exomes 0.00006; ExAC 0.00010; gnomAD 0.00011; ESP Exome Variant Server 0.00015.

Submissions (2):

Revvity Omics, Revvity
Classification: Uncertain significance for Bailey-Bloch congenital myopathy. Last evaluated: 2024-02-15. Review status: criteria provided, single submitter. Criteria: ACMG Guidelines, 2015. Collection method: clinical testing. Allele origin: germline.

Labcorp Genetics (formerly Invitae), Labcorp
Classification: Uncertain significance for Bailey-Bloch congenital myopathy. Last evaluated: 2022-07-18. Review status: criteria provided, single submitter. Criteria: Invitae Variant Classification Sherloc (09022015). Collection method: clinical testing. Allele origin: germline.
Comment: This sequence change replaces threonine, which is neutral and polar, with methionine, which is neutral and non-polar, at codon 314 of the STAC3 protein (p.Thr314Met). This variant is present in population databases (rs146430404, gnomAD 0.01%). This variant has not been reported in the literature in individuals affected with STAC3-related conditions. ClinVar contains an entry for this variant (Variation ID: 661534). Algorithms developed to predict the effect of missense changes on protein structure and function are either unavailable or do not agree on the potential impact of this missense change (SIFT: "Deleterious"; PolyPhen-2: "Probably Damaging"; Align-GVGD: "Class C15"). In summary, the available evidence is currently insufficient to determine the role of this variant in disease. Therefore, it has been classified as a Variant of Uncertain Significance.